The following is an entry in ClinVar:

ClinVar aggregate classification (germline): Benign/Likely benign. Review status: criteria provided, multiple submitters, no conflicts (2 of 4 stars). 5 submissions from 5 submitters: Benign (3); Likely benign (2). Last evaluated 2025-12-17.

Conditions:
Charcot-Marie-Tooth disease. Also called: Charcot-Marie-Tooth Hereditary Neuropathy; Charcot-Marie-Tooth Neuropathy. Identifiers: Orphanet 166, MedGen C0007959, MONDO:0015626.
Charcot-Marie-Tooth disease type 1C. Also called: CMT, SLOW NERVE CONDUCTION TYPE C; CHARCOT-MARIE-TOOTH NEUROPATHY, TYPE 1C; NEUROPATHY, HEREDITARY MOTOR AND SENSORY, TYPE IC; HMSN IC; CHARCOT-MARIE-TOOTH DISEASE, DEMYELINATING, TYPE 1C; Charcot-Marie-Tooth disease, type IC. Identifiers: Orphanet 101083, MedGen C0270913, MONDO:0010995, OMIM 601098.

Allele frequency attached by ClinVar (database versions not stated): gnomAD 0.00003 and 0.00013; TOPMed 0.00014; gnomAD exomes 0.00024 and 0.00050; ExAC 0.00054; 1000 Genomes Project 0.00080; 1000 Genomes Project 30x 0.00094.
gnomAD v4.1: 373 of 1,614,038 alleles (0.023%); highest among the groups gnomAD compares: Middle Eastern, 0.35%; 7 homozygotes.

Submissions (5):

Labcorp Genetics (formerly Invitae), Labcorp
Classification: Benign for Charcot-Marie-Tooth disease type 1C. Last evaluated: 2025-12-17. Review status: criteria provided, single submitter. Criteria: Invitae Variant Classification Sherloc (09022015). Collection method: clinical testing. Allele origin: germline.

Blueprint Genetics
Classification: Likely benign. Last evaluated: 2024-10-02. Review status: criteria provided, single submitter. Criteria: ACMG Guidelines, 2015. Collection method: clinical testing. Allele origin: germline.

GeneDx
Classification: Benign. Last evaluated: 2020-03-17. Review status: criteria provided, single submitter. Criteria: GeneDx Variant Classification Process June 2021. Collection method: clinical testing. Allele origin: germline. Affected: yes.

Illumina Laboratory Services, Illumina
Classification: Benign for Charcot-Marie-Tooth disease type 1C. Last evaluated: 2018-01-12. Review status: criteria provided, single submitter. Criteria: ICSL Variant Classification Criteria 13 December 2019. Collection method: clinical testing. Allele origin: germline.
Comment: This variant was observed in the ICSL laboratory as part of a predisposition screen in an ostensibly healthy population. It had not been previously curated by ICSL or reported in the Human Gene Mutation Database (HGMD: prior to June 1st, 2018), and was therefore a candidate for classification through an automated scoring system. Utilizing variant allele frequency, disease prevalence and penetrance estimates, and inheritance mode, an automated score was calculated to assess if this variant is too frequent to cause the disease. Based on the score and internal cut-off values, a variant classified as benign is not then subjected to further curation. The score for this variant resulted in a classification of benign for this disease.

Molecular Genetics Laboratory, London Health Sciences Centre
Classification: Likely benign for Charcot-Marie-Tooth disease. Review status: criteria provided, single submitter. Criteria: ACMG Guidelines, 2015. Collection method: clinical testing. Allele origin: germline. Affected: yes.

NM_001136472.2(LITAF):c.357C>T (p.Cys119=)

Gene: LITAF (lipopolysaccharide induced TNF factor; minus strand). Cytogenetic location: 16p13.13.
Variant type: single nucleotide variant.
Coding change: c.357C>T on transcript NM_001136472.2 (MANE Select); coding-DNA position 357, C replaced by T.
Protein change: p.Cys119=; no amino-acid change (cysteine 119 retained).
Molecular consequence: synonymous variant. On other transcripts: non-coding transcript variant (1).
Genome position (GRCh38, 1-based): chr16:11,553,553, G>A on the plus strand (C>T on the coding strand, the complement: LITAF is on the minus strand). VCF-style: chr16-11553553-G-A. GRCh37 (hg19) VCF-style: chr16-11647409-G-A.
Other names: c.357C>T, p.Cys119= (NM_001136473.1, NM_004862.4).
Identifiers: ClinVar variation 695951 (VCV000695951.19), dbSNP rs549492447, ClinGen allele CA7904081.
Genomic context (GRCh38, chr16:11,553,553, plus strand): 5'-AGGGCAGGATGGCTTGGGGCCAAGTGGGAGGCAGACTCACCCCAGCAGGCACAGGCTCCC[G>A]CAGGACAGCCAGGTCAGAGCACCGGCGTTATAGGACAGCTGACTCACGATCATCTTGTTG-3'
Protein context (NP_001129944.1, residues 109-129): YNAGALTWLS[Cys119=]GSLCLLGCIA